The following is an entry in ClinVar:

ClinVar aggregate classification (germline): Uncertain significance (0 of 4 stars; one submission).

Conditions:
CGNL1-related disorder. Also called: CGNL1-related condition.

Submission:

PreventionGenetics, part of Exact Sciences
Classification: Uncertain significance for CGNL1-related condition. Last evaluated: 2024-02-05. Review status: no assertion criteria provided. Collection method: clinical testing. Allele origin: germline.
Comment: The CGNL1 c.460C>A variant is predicted to result in the amino acid substitution p.Pro154Thr. To our knowledge, this variant has not been reported in the literature or in a large population database, indicating this variant is rare. At this time, the clinical significance of this variant is uncertain due to the absence of conclusive functional and genetic evidence.

NM_032866.5(CGNL1):c.460C>A (p.Pro154Thr)

Gene: CGNL1 (cingulin like 1; plus strand). Cytogenetic location: 15q21.3.
Variant type: single nucleotide variant.
Coding change: c.460C>A on transcript NM_032866.5 (MANE Select); coding-DNA position 460, C replaced by A.
Protein change: p.Pro154Thr; replaces proline 154 with threonine.
Molecular consequence: missense variant.
Genome position (GRCh38, 1-based): chr15:57,438,459, C>A. VCF-style: chr15-57438459-C-A. GRCh37 (hg19) VCF-style: chr15-57730657-C-A.
Other names: c.460C>A, p.Pro154Thr (NM_001252335.2); short protein forms P154T.
Identifiers: ClinVar variation 3061074 (VCV003061074.2), dbSNP rs2551557011, ClinGen allele CA392599393.